The following is an entry in ClinVar:

ClinVar aggregate classification (germline): Uncertain significance. Review status: criteria provided, multiple submitters, no conflicts (2 of 4 stars). 4 submissions from 4 submitters: Uncertain significance (4). Last evaluated 2025-11-23.

Conditions:
Inborn genetic diseases. Identifiers: MedGen C0950123, MeSH D030342.

Allele frequency attached by ClinVar (database versions not stated): gnomAD 0.00001; gnomAD exomes 0.00001.
gnomAD v4.1: 13 of 1,612,236 alleles (0.00081%); highest among the groups gnomAD compares: East Asian, 0.0067%; no homozygotes.

Submissions (4):

Ambry Genetics
Classification: Uncertain significance for Inborn genetic diseases. Last evaluated: 2025-11-23. Review status: criteria provided, single submitter. Criteria: Ambry Variant Classification Scheme 2023. Collection method: clinical testing. Allele origin: germline.

Labcorp Genetics (formerly Invitae), Labcorp
Classification: Uncertain significance. Last evaluated: 2024-12-08. Review status: criteria provided, single submitter. Criteria: Invitae Variant Classification Sherloc (09022015). Collection method: clinical testing. Allele origin: germline.
Comment: This sequence change replaces arginine, which is basic and polar, with histidine, which is basic and polar, at codon 288 of the IMPDH1 protein (p.Arg288His). This variant is present in population databases (no rsID available, gnomAD 0.01%). This variant has not been reported in the literature in individuals affected with IMPDH1-related conditions. ClinVar contains an entry for this variant (Variation ID: 1431174). An algorithm developed to predict the effect of missense changes on protein structure and function (PolyPhen-2) suggests that this variant is likely to be tolerated. In summary, the available evidence is currently insufficient to determine the role of this variant in disease. Therefore, it has been classified as a Variant of Uncertain Significance.

Blueprint Genetics
Classification: Uncertain significance. Last evaluated: 2021-12-26. Review status: criteria provided, single submitter. Criteria: ACMG Guidelines, 2015. Collection method: clinical testing. Allele origin: germline.

Revvity Omics, Revvity
Classification: Uncertain significance. Last evaluated: 2019-10-08. Review status: criteria provided, single submitter. Criteria: ACMG Guidelines, 2015. Collection method: clinical testing. Allele origin: germline.

NM_000883.4(IMPDH1):c.863G>A (p.Arg288His)

Gene: IMPDH1 (inosine monophosphate dehydrogenase 1; minus strand). Cytogenetic location: 7q32.1.
Variant type: single nucleotide variant.
Coding change: c.863G>A on transcript NM_000883.4 (MANE Select); coding-DNA position 863, G replaced by A.
Protein change: p.Arg288His; replaces arginine 288 with histidine.
Molecular consequence: missense variant.
Genome position (GRCh38, 1-based): chr7:128,400,106, C>T on the plus strand (G>A on the coding strand, the complement: IMPDH1 is on the minus strand). VCF-style: chr7-128400106-C-T. GRCh37 (hg19) VCF-style: chr7-128040160-C-T.
Other names: c.833G>A, p.Arg278His (NM_001102605.2); c.608G>A, p.Arg203His (NM_001142573.2); c.593G>A, p.Arg198His (NM_001142574.2); c.533G>A, p.Arg178His (NM_001142575.2); c.764G>A, p.Arg255His (NM_001142576.2); c.656G>A, p.Arg219His (NM_001304521.2); c.755G>A, p.Arg252His (NM_183243.3); c.863G>A (NM_000883.3); short protein forms R219H, R178H, R278H, R252H, R255H, R288H, R198H, R203H.
Identifiers: ClinVar variation 1431174 (VCV001431174.12), dbSNP rs1027214657, ClinGen allele CA166127938.